The following is an entry in ClinVar:

NM_004341.5(CAD):c.5497-11_5497-5delinsGGAGGTTGAGG

Gene: CAD (carbamoyl-phosphate synthetase 2, aspartate transcarbamylase, and dihydroorotase; plus strand). Cytogenetic location: 2p23.3.
Variant type: Indel.
Coding change: c.5497-11_5497-5delinsGGAGGTTGAGG on transcript NM_004341.5 (MANE Select); 11 bases into the intron before coding-DNA position 5497 through 5 bases into the intron before coding-DNA position 5497, TATCCCT replaced by GGAGGTTGAGG.
Molecular consequence: intron variant.
Genome position (GRCh38, 1-based): chr2:27,240,254-27,240,260, TATCCCT replaced by GGAGGTTGAGG. VCF-style: chr2-27240254-TATCCCT-GGAGGTTGAGG. GRCh37 (hg19) VCF-style: chr2-27463122-TATCCCT-GGAGGTTGAGG.
Other names: c.5308-11_5308-5delinsGGAGGTTGAGG (NM_001306079.2).
Identifiers: ClinVar variation 2525971 (VCV002525971.2), dbSNP rs2465358047, ClinGen allele CA2580611606.
Genomic context (GRCh38, chr2:27,240,254, plus strand): 5'-GAGCGACAGAACGAGACTCCGTCTCAAAAGAAAAAAAAAAAAACAACTCTGGGCCAACGT[TATCCCT>GGAGGTTGAGG]CCAGACACCTGAAAGACCCCGCCGTGGCATCCCAGGGCTTCCTGATGGCCGCTTCCATCT-3'

ClinVar aggregate classification (germline): Uncertain significance (1 of 4 stars; one submission).

Conditions:
Inborn genetic diseases. Identifiers: MedGen C0950123, MeSH D030342.

Submission:

Ambry Genetics
Classification: Uncertain significance for Inborn genetic diseases. Last evaluated: 2023-03-23. Review status: criteria provided, single submitter. Criteria: Ambry Variant Classification Scheme 2023. Collection method: clinical testing. Allele origin: germline.
Comment: The c.5497-11_5497-5delTATCCCTinsGGAGGTTGAGG intronic variant is located 5 nucleotides before coding exon 35 in the CAD gene. This variant results from a deletion of 7 nucleotides and insertion of 11 nucleotides at positions c.5497-11 to c.5497-5. This variant was not reported in population-based cohorts in the Genome Aggregation Database (gnomAD). These nucleotide positions are not well conserved in available vertebrate species. In silico splice site analysis predicts that this alteration will weaken the native splice acceptor site. Based on insufficient or conflicting evidence, the clinical significance of this alteration remains unclear.